The following is an entry in ClinVar:

NM_000264.5(PTCH1):c.3839C>G (p.Ser1280Trp)

Gene: PTCH1 (patched 1; minus strand). Cytogenetic location: 9q22.32.
Variant type: single nucleotide variant.
Coding change: c.3839C>G on transcript NM_000264.5 (MANE Select); coding-DNA position 3839, C replaced by G.
Protein change: p.Ser1280Trp; replaces serine 1280 with tryptophan.
Molecular consequence: missense variant. On other transcripts: non-coding transcript variant (1).
Genome position (GRCh38, 1-based): chr9:95,447,417, G>C on the plus strand (C>G on the coding strand, the complement: PTCH1 is on the minus strand). VCF-style: chr9-95447417-G-C. GRCh37 (hg19) VCF-style: chr9-98209699-G-C.
Other names: c.3386C>G, p.Ser1129Trp (NM_001083605.3, NM_001083606.3, NM_001083607.3 and 1 more transcripts); c.3683C>G, p.Ser1228Trp (NM_001354918.2); c.3641C>G, p.Ser1214Trp (NM_001083602.3); c.3836C>G, p.Ser1279Trp (NM_001083603.3); short protein forms S1228W, S1129W, S1214W, S1279W, S1280W.
Identifiers: ClinVar variation 1735401 (VCV001735401.9), dbSNP rs201595274, ClinGen allele CA5138026.

ClinVar aggregate classification (germline): Conflicting classifications of pathogenicity. Review status: criteria provided, conflicting classifications (1 of 4 stars). 3 submissions from 3 submitters: Uncertain significance (2); Likely benign (1). Last evaluated 2025-11-19.

Conditions:
Basal cell nevus syndrome 1 (BCNS1). Also called: GORLIN-GOLTZ SYNDROME; MULTIPLE BASAL CELL NEVI, ODONTOGENIC KERATOCYSTS, AND SKELETAL ANOMALIES. Identifiers: MedGen CN376810, MONDO:0958174, OMIM 109400.
Gorlin syndrome. Also called: Nevoid Basal Cell Carcinoma Syndrome; Basal cell nevus syndrome. Identifiers: Orphanet 377, MedGen C0004779, MONDO:0007187.
Hereditary cancer-predisposing syndrome. Also called: Neoplastic Syndromes, Hereditary; Tumor predisposition; Hereditary Cancer Syndrome; Hereditary neoplastic syndrome. Identifiers: Orphanet 140162, MedGen C0027672, MeSH D009386, MONDO:0015356.

gnomAD v4.1: 6 of 1,602,844 alleles (0.00037%); highest among the groups gnomAD compares: Non-Finnish European, 0.00043%; no homozygotes.

Submissions (3):

Labcorp Genetics (formerly Invitae), Labcorp
Classification: Likely benign for Gorlin syndrome. Last evaluated: 2025-11-19. Review status: criteria provided, single submitter. Criteria: Invitae Variant Classification Sherloc (09022015). Collection method: clinical testing. Allele origin: germline.

Ambry Genetics
Classification: Uncertain significance for Hereditary cancer-predisposing syndrome. Last evaluated: 2025-05-05. Review status: criteria provided, single submitter. Criteria: Ambry Variant Classification Scheme 2023. Collection method: clinical testing. Allele origin: germline.
Comment: The p.S1280W variant (also known as c.3839C>G), located in coding exon 23 of the PTCH1 gene, results from a C to G substitution at nucleotide position 3839. The serine at codon 1280 is replaced by tryptophan, an amino acid with highly dissimilar properties. This amino acid position is conserved. In addition, this alteration is predicted to be tolerated by in silico analysis. Since supporting evidence is limited at this time, the clinical significance of this alteration remains unclear.

St. Jude Molecular Pathology, St. Jude Children's Research Hospital
Classification: Uncertain significance for Basal cell nevus syndrome 1. Last evaluated: 2025-02-05. Review status: criteria provided, single submitter. Criteria: St. Jude Assertion Criteria 2020. Collection method: clinical testing. Allele origin: germline.
Comment: The PTCH1 c.3839C>G (p.Ser1280Trp) missense change has a maximum subpopulation frequency of 0.00092% in gnomAD v2.1.1. The in silico tool REVEL predicts a benign effect on protein function, but to our knowledge this prediction has not been confirmed by functional studies. To our knowledge, this variant has not been reported in individuals with nevoid basal cell carcinoma syndrome. In summary, the evidence currently available is insufficient to determine the clinical significance of this variant. It has therefore been classified as of uncertain significance.